The following is an entry in ClinVar:

NM_022370.4(ROBO3):c.2108G>C (p.Arg703Pro)

Gene: ROBO3 (roundabout guidance receptor 3; plus strand). Cytogenetic location: 11q24.2.
Variant type: single nucleotide variant.
Coding change: c.2108G>C on transcript NM_022370.4 (MANE Select); coding-DNA position 2108, G replaced by C.
Protein change: p.Arg703Pro; replaces arginine 703 with proline.
Molecular consequence: missense variant.
Genome position (GRCh38, 1-based): chr11:124,875,145, G>C. VCF-style: chr11-124875145-G-C. GRCh37 (hg19) VCF-style: chr11-124745041-G-C.
Other names: short protein forms R703P.
Identifiers: ClinVar variation 2174 (VCV000002174.7), dbSNP rs121918271, ClinGen allele CA115384.

ClinVar aggregate classification (germline): Likely pathogenic. Review status: criteria provided, multiple submitters, no conflicts (2 of 4 stars). 3 submissions from 3 submitters: Likely pathogenic (2). 1 of the submissions does not count toward it. Last evaluated 2026-02-01.

Conditions:
Gaze palsy, familial horizontal, with progressive scoliosis 1 (HGPPS1). Identifiers: Orphanet 2744, MedGen C4551964, MONDO:0020790, OMIM 607313.

Submissions (3):

CeGaT Center for Human Genetics Tuebingen
Classification: Likely pathogenic. Last evaluated: 2026-02-01. Review status: criteria provided, single submitter. Criteria: CeGaT Center For Human Genetics Tuebingen Variant Classification Criteria Version 2. Collection method: clinical testing. Allele origin: germline. Affected: yes. Observed: 1 variant allele.
Comment: ROBO3: PM3:Strong, PM2, PP1, BP4

Institute of Human Genetics, University of Leipzig Medical Center
Classification: Likely pathogenic for Gaze palsy, familial horizontal, with progressive scoliosis 1. Last evaluated: 2021-01-09. Review status: criteria provided, single submitter. Criteria: ACMG Guidelines, 2015. Collection method: curation. Allele origin: germline. Inheritance: Autosomal recessive inheritance. Affected: yes.
Comment: This ROBO3 variant was reported as Pathogenicâ€‹ in PMID: 15105459; PMID: 28024310 with original nomenclature reported as 2108G>C, R703P. Variant was re-classified as Likely Pathogenic based on the criteria PM1_Moderate, PM2_Supporting, PM3_Moderate, PP3_Supporting, PP4_Supporting.

OMIM
Classification: Pathogenic for GAZE PALSY, FAMILIAL HORIZONTAL, WITH PROGRESSIVE SCOLIOSIS 1. Last evaluated: 2004-06-04. Review status: no assertion criteria provided. Collection method: literature only. Allele origin: germline. Not counted in ClinVar's aggregate classification.

Literature cited by the submitters: PubMed 28024310 (cited by Institute of Human Genetics, University of Leipzig Medical Center); PubMed 15105459 (cited by Institute of Human Genetics, University of Leipzig Medical Center and OMIM).